The following is an entry in ClinVar:

NM_000048.4(ASL):c.925G>A (p.Gly309Arg)

Gene: ASL (argininosuccinate lyase; plus strand). Cytogenetic location: 7q11.21.
Variant type: single nucleotide variant.
Coding change: c.925G>A on transcript NM_000048.4 (MANE Select); coding-DNA position 925, G replaced by A.
Protein change: p.Gly309Arg; replaces glycine 309 with arginine.
Molecular consequence: missense variant. On other transcripts: intron variant (1).
Genome position (GRCh38, 1-based): chr7:66,089,282, G>A. VCF-style: chr7-66089282-G-A. GRCh37 (hg19) VCF-style: chr7-65554269-G-A.
Other names: c.925G>A, p.Gly309Arg (NM_001024943.2); c.847G>A, p.Gly283Arg (NM_001024946.2); c.918+107G>A (NM_001024944.2); short protein forms G309R, G283R.
Identifiers: ClinVar variation 2503913 (VCV002503913.4), dbSNP rs769506424, ClinGen allele CA312329.
Genomic context (GRCh38, chr7:66,089,282, plus strand): 5'-TGGCCAGGGGGGCAGGATCCCGGGTCCAGCCCCTGTGCCTCCCTCTTCCCGCAGTGTGCC[G>A]GGCTCCTGATGACCCTCAAGGGACTTCCCAGCACCTACAACAAAGACTTACAGGTGCGAG-3'
Protein context (NP_000039.2, residues 299-319): KAGRVFGRCA[Gly309Arg]LLMTLKGLPS

ClinVar aggregate classification (germline): Likely pathogenic. Review status: criteria provided, multiple submitters, no conflicts (2 of 4 stars). 3 submissions from 3 submitters: Likely pathogenic (3). Last evaluated 2024-06-28.

Conditions:
Argininosuccinate lyase deficiency. Also called: Argininosuccinic aciduria; ARGININOSUCCINIC ACID LYASE DEFICIENCY; ASL DEFICIENCY. Identifiers: Orphanet 23, MedGen C0268547, MONDO:0008815, OMIM 207900, HP:0025630.

Allele frequency attached by ClinVar (database versions not stated): ExAC 0.00001; gnomAD 0.00001; gnomAD exomes 0.00003.
gnomAD v4.1: 40 of 1,610,088 alleles (0.0025%); highest among the groups gnomAD compares: Non-Finnish European, 0.0034%; no homozygotes.

Submissions (3):

Natera, Inc.
Classification: Likely pathogenic for Argininosuccinate lyase deficiency. Last evaluated: 2024-06-28. Review status: criteria provided, single submitter. Criteria: Natera Variant Classification Schema (03/2026). Collection method: clinical testing. Allele origin: germline.
Comment: The c.925G>A variant in ASL is a missense variant predicted to cause substitution of glycine to arginine at amino acid 309. This variant is rare in the general population with a frequency below the threshold expected for the associated phenotype(s). This variant has been observed in one or more individuals affected with the associated recessive disease, as either homozygous or compound heterozygous with a second variant (PMID: 12384776). Functional studies show that this variant may disrupt protein function (PMID: 12384776). Computational prediction algorithms indicate this variant is likely to affect gene or protein function. Given the available evidence, this variant is classified as Likely Pathogenic.

Baylor Genetics
Classification: Likely pathogenic for Argininosuccinate lyase deficiency. Last evaluated: 2024-02-20. Review status: criteria provided, single submitter. Criteria: ACMG Guidelines, 2015. Collection method: clinical testing. Allele origin: unknown.

Women's Health and Genetics/Laboratory Corporation of America, LabCorp
Classification: Likely pathogenic for Argininosuccinate lyase deficiency. Last evaluated: 2023-04-26. Review status: criteria provided, single submitter. Criteria: LabCorp Variant Classification Summary - May 2015. Collection method: clinical testing. Allele origin: germline.
Comment: Variant summary: ASL c.925G>A (p.Gly309Arg) results in a non-conservative amino acid change in the encoded protein sequence. Four of five in-silico tools predict a damaging effect of the variant on protein function. The variant was absent in 242008 control chromosomes (gnomAD). c.925G>A has been reported in the literature in individuals affected with Argininosuccinic Aciduria (e.g. Linnebank_2002, Reid_2016, Adhikari_2020). These data indicate that the variant is likely to be associated with disease. Experimental evidence demonstrated the variant affects enzyme activity (Linnebank_2002). The following publications have been ascertained in the context of this evaluation (PMID: 32778825, 12384776, 27604308). No clinical diagnostic laboratories have submitted clinical-significance assessments for this variant to ClinVar after 2014. Based on the evidence outlined above, the variant was classified as likely pathogenic.

Literature cited by the submitters: PubMed 12384776 (cited by Natera, Inc. and Women's Health and Genetics/Laboratory Corporation of America, LabCorp); PubMed 32778825 (cited by Women's Health and Genetics/Laboratory Corporation of America, LabCorp); PubMed 27604308 (cited by Women's Health and Genetics/Laboratory Corporation of America, LabCorp).